The following is an entry in ClinVar:

NM_020297.4(ABCC9):c.3716T>C (p.Ile1239Thr)

Genes: ABCC9 (ATP binding cassette subfamily C member 9; minus strand), KCNJ8-AS1 (KCNJ8 antisense RNA 1; plus strand). Cytogenetic location: 12p12.1.
Variant type: single nucleotide variant.
Coding change: c.3716T>C on transcript NM_020297.4 (MANE Select); coding-DNA position 3716, T replaced by C.
Protein change: p.Ile1239Thr; replaces isoleucine 1239 with threonine.
Molecular consequence: missense variant.
Genome position (GRCh38, 1-based): chr12:21,818,205, A>G on the plus strand (T>C on the coding strand, the complement: ABCC9 is on the minus strand). VCF-style: chr12-21818205-A-G. GRCh37 (hg19) VCF-style: chr12-21971139-A-G.
Other names: c.3716T>C, p.Ile1239Thr (NM_001377273.1, NM_005691.4); c.2849T>C, p.Ile950Thr (NM_001377274.1); short protein forms I950T, I1239T.
Identifiers: ClinVar variation 3705269 (VCV003705269.2).

ClinVar aggregate classification (germline): Uncertain significance (1 of 4 stars; one submission).

Conditions:
Dilated cardiomyopathy 1O (CMD1O). Also called: CARDIOMYOPATHY, DILATED, WITH VENTRICULAR TACHYCARDIA. Identifiers: Orphanet 154, MedGen C1837839, MONDO:0012062, OMIM 608569.

gnomAD v4.1: 8 of 1,614,000 alleles (0.0005%); highest among the groups gnomAD compares: South Asian, 0.0011%; no homozygotes.

Submission:

Labcorp Genetics (formerly Invitae), Labcorp
Classification: Uncertain significance for Dilated cardiomyopathy 1O. Last evaluated: 2024-10-29. Review status: criteria provided, single submitter. Criteria: Invitae Variant Classification Sherloc (09022015). Collection method: clinical testing. Allele origin: germline.
Comment: This sequence change replaces isoleucine, which is neutral and non-polar, with threonine, which is neutral and polar, at codon 1239 of the ABCC9 protein (p.Ile1239Thr). This variant is present in population databases (no rsID available, gnomAD 0.004%). This variant has not been reported in the literature in individuals affected with ABCC9-related conditions. Invitae Evidence Modeling of protein sequence and biophysical properties (such as structural, functional, and spatial information, amino acid conservation, physicochemical variation, residue mobility, and thermodynamic stability) indicates that this missense variant is expected to disrupt ABCC9 protein function with a positive predictive value of 95%. In summary, the available evidence is currently insufficient to determine the role of this variant in disease. Therefore, it has been classified as a Variant of Uncertain Significance.